The following is an entry in ClinVar:

NM_000518.5(HBB):c.108C>A (p.Tyr36Ter)

Genes: HBB (hemoglobin subunit beta; minus strand), LOC106099062 (HBB recombination region; plus strand), LOC107133510 (origin of replication at HBB; plus strand). Cytogenetic location: 11p15.4.
Variant type: single nucleotide variant.
Coding change: c.108C>A on transcript NM_000518.5 (MANE Select); coding-DNA position 108, C replaced by A.
Protein change: p.Tyr36Ter; replaces tyrosine 36 with a stop codon.
Molecular consequence: nonsense.
Genome position (GRCh38, 1-based): chr11:5,226,784, G>T on the plus strand (C>A on the coding strand, the complement: HBB is on the minus strand). VCF-style: chr11-5226784-G-T. GRCh37 (hg19) VCF-style: chr11-5248014-G-T.
Other names: Y35*; CD 35 TAC>TAA; short protein forms Y36*.
Identifiers: ClinVar variation 15408 (VCV000015408.11), dbSNP rs33982568, ClinGen allele CA125271.

ClinVar aggregate classification (germline): Pathogenic. Review status: criteria provided, multiple submitters, no conflicts (2 of 4 stars). 6 submissions from 6 submitters: Pathogenic (4). 2 of the submissions do not count toward it. Last evaluated 2025-10-01.

Conditions:
Hb SS disease (SCD). Also called: Hemoglobin SS; Sickle cell anemia; Sickle cell disease; HbS disease; Hemoglobin S Disease; Sickling disorder due to hemoglobin S. Identifiers: Orphanet 232, Orphanet 275752, MedGen C0002895, MONDO:0011382, OMIM 603903.
Heinz body anemia. Also called: Heinz body hemolytic anemia. Identifiers: Orphanet 178330, MedGen C0700299, MONDO:0007705, OMIM 140700, HP:0005511.
Dominant beta-thalassemia. Also called: Beta-thalassemia, dominant inclusion body type. Identifiers: Orphanet 231226, Orphanet 848, MedGen C1858990, MONDO:0011381, OMIM 603902.
Beta-thalassemia HBB/LCRB. Identifiers: MedGen CN322236, MONDO:0013517, OMIM 613985.
Erythrocytosis, familial, 6. Also called: POLYCYTHEMIA, BETA-GLOBIN TYPE; ERYTHROCYTOSIS, BETA-GLOBIN TYPE. Identifiers: MedGen C4693822, MONDO:0054801, OMIM 617980.
METHEMOGLOBINEMIA, BETA TYPE. Also called: Methemoglobinemia, beta-globin type. Identifiers: MedGen C1840779, OMIM 617971.
Malaria, susceptibility to. Identifiers: Orphanet 673, MedGen C1970028, MONDO:0021024, OMIM 611162.
Hereditary persistence of fetal hemoglobin. Identifiers: MedGen C0019025, MONDO:0020989, OMIM 141749.
Beta zero thalassemia. Identifiers: MedGen C0271980.
beta Thalassemia (BTHAL). Also called: Cooley's anemia; Erythroblastic anemia; Mediterranean anemia. Identifiers: Orphanet 848, MedGen C0005283, MONDO:0019402. Disease mechanism: loss of function.

gnomAD v4.1: 5 of 1,614,142 alleles (0.00031%); highest among the groups gnomAD compares: Non-Finnish European, 0.00042%; no homozygotes.

Submissions (6):

Quest Diagnostics Nichols Institute San Juan Capistrano
Classification: Pathogenic. Last evaluated: 2025-10-01. Review status: criteria provided, single submitter. Criteria: Quest Diagnostics criteria. Collection method: clinical testing. Allele origin: unknown.
Comment: The HBB c.108C>A (p.Tyr36*) variant causes the premature termination of HBB protein synthesis. This variant has been reported in the published literature to be associated with beta(0)-thalassemia (HbVar and ITHANET), and has been seen in individuals and families with beta-thalassemia, including a homozygous child (PMIDs: 2542242 (1989), 2393018 (1990), 9101288 (1997), 23590658 (2013), 27848919 (2016)). This variant has not been reported in large, multi-ethnic general populations (Genome Aggregation Database). Based on the available information, this variant is classified as pathogenic.

Labcorp Genetics (formerly Invitae), Labcorp
Classification: Pathogenic. Last evaluated: 2024-03-14. Review status: criteria provided, single submitter. Criteria: Invitae Variant Classification Sherloc (09022015). Collection method: clinical testing. Allele origin: germline.
Comment: This sequence change creates a premature translational stop signal (p.Tyr36*) in the HBB gene. It is expected to result in an absent or disrupted protein product. Loss-of-function variants in HBB are known to be pathogenic (PMID: 23637309). This variant is not present in population databases (gnomAD no frequency). This premature translational stop signal has been observed in individual(s) with beta thalassemia (PMID: 27848919). ClinVar contains an entry for this variant (Variation ID: 15408). For these reasons, this variant has been classified as Pathogenic.

Fulgent Genetics
Classification: Pathogenic for Heinz body anemia; Hereditary persistence of fetal hemoglobin; Dominant beta-thalassemia; Hb SS disease; Malaria, susceptibility to; Beta-thalassemia HBB/LCRB; METHEMOGLOBINEMIA, BETA TYPE; Erythrocytosis, familial, 6. Last evaluated: 2023-12-23. Review status: criteria provided, single submitter. Criteria: ACMG Guidelines, 2015. Collection method: clinical testing. Allele origin: germline.

Women's Health and Genetics/Laboratory Corporation of America, LabCorp
Classification: Pathogenic for beta Thalassemia. Last evaluated: 2023-09-06. Review status: criteria provided, single submitter. Criteria: LabCorp Variant Classification Summary - May 2015. Collection method: clinical testing. Allele origin: germline.
Comment: Variant summary: HBB c.108C>A (p.Tyr36X) results in a premature termination codon, predicted to cause a truncation of the encoded protein or absence of the protein due to nonsense mediated decay, which are commonly known mechanisms for disease. The variant was absent in 251358 control chromosomes (gnomAD). The variant, c.108C>A, has been reported in the literature in multiple individuals (including one homozygote) affected with Beta Thalassemia (Fucharoen_1989, Thein_1990, Ohba_1997, Hoppe_2013, Girard_2016). These data indicate that the variant is very likely to be associated with disease. To our knowledge, no experimental evidence demonstrating an impact on protein function has been reported. The following publications have been ascertained in the context of this evaluation (PMID: 9101288, 2393018, 2542242, 23590658, 27848919). Two submitters have cited clinical-significance assessments for this variant to ClinVar after 2014. All submitters classified the variant as pathogenic. Based on the evidence outlined above, the variant was classified as pathogenic.

The ITHANET community portal, The Cyprus Institute of Neurology and Genetics
Classification: Pathogenic for beta Thalassemia. Last evaluated: 2019-11-25. Review status: no assertion criteria provided. Collection method: curation. Allele origin: germline. Not counted in ClinVar's aggregate classification.

OMIM
Classification: Pathogenic for BETA-ZERO-THALASSEMIA. Last evaluated: 1989-05-15. Review status: no assertion criteria provided. Collection method: literature only. Allele origin: germline. Not counted in ClinVar's aggregate classification.

Literature cited by the submitters: PubMed 27848919 (cited by 3 submitters); PubMed 23590658 (cited by Quest Diagnostics Nichols Institute San Juan Capistrano and Women's Health and Genetics/Laboratory Corporation of America, LabCorp); PubMed 9101288 (cited by Quest Diagnostics Nichols Institute San Juan Capistrano and Women's Health and Genetics/Laboratory Corporation of America, LabCorp); PubMed 2393018 (cited by 3 submitters); PubMed 2542242 (cited by 4 submitters); PubMed 23637309 (cited by Labcorp Genetics (formerly Invitae), Labcorp).